The following is an entry in ClinVar:

ClinVar aggregate classification (germline): Uncertain significance (1 of 4 stars; one submission).

Submission:

Labcorp Genetics (formerly Invitae), Labcorp
Classification: Uncertain significance. Last evaluated: 2023-12-30. Review status: criteria provided, single submitter. Criteria: Invitae Variant Classification Sherloc (09022015). Collection method: clinical testing. Allele origin: germline.
Comment: This sequence change replaces isoleucine, which is neutral and non-polar, with asparagine, which is neutral and polar, at codon 2253 of the FLNB protein (p.Ile2253Asn). This variant is not present in population databases (gnomAD no frequency). This variant has not been reported in the literature in individuals affected with FLNB-related conditions. Advanced modeling of protein sequence and biophysical properties (such as structural, functional, and spatial information, amino acid conservation, physicochemical variation, residue mobility, and thermodynamic stability) performed at Invitae indicates that this missense variant is not expected to disrupt FLNB protein function with a negative predictive value of 95%. In summary, the available evidence is currently insufficient to determine the role of this variant in disease. Therefore, it has been classified as a Variant of Uncertain Significance.

NM_001457.4(FLNB):c.6758T>A (p.Ile2253Asn)

Gene: FLNB (filamin B; plus strand). Cytogenetic location: 3p14.3.
Variant type: single nucleotide variant.
Coding change: c.6758T>A on transcript NM_001457.4 (MANE Select); coding-DNA position 6758, T replaced by A.
Protein change: p.Ile2253Asn; replaces isoleucine 2253 with asparagine.
Molecular consequence: missense variant.
Genome position (GRCh38, 1-based): chr3:58,154,914, T>A. VCF-style: chr3-58154914-T-A. GRCh37 (hg19) VCF-style: chr3-58140641-T-A.
Other names: c.6851T>A, p.Ile2284Asn (NM_001164317.2); c.6725T>A, p.Ile2242Asn (NM_001164318.2); c.6686T>A, p.Ile2229Asn (NM_001164319.2); short protein forms I2253N, I2229N, I2284N, I2242N.
Identifiers: ClinVar variation 2706497 (VCV002706497.3), dbSNP rs2471228216, ClinGen allele CA353360804.
Genomic context (GRCh38, chr3:58,154,914, plus strand): 5'-CCAGTAAGGCCGAGATTACATTCGATGACCATAAAAATGGGTCGTGCGGTGTATCTTATA[T>A]TGCCCAAGAGCCTGGTATGTATTCAGGGTTCACAAGAGGACATTTTCCTTGTTTGAACAT-3'
Protein context (NP_001448.2, residues 2243-2263): HKNGSCGVSY[Ile2253Asn]AQEPGNYEVS